The following is an entry in ClinVar:

NM_005518.4(HMGCS2):c.1017-18C>T

Gene: HMGCS2 (3-hydroxy-3-methylglutaryl-CoA synthase 2; minus strand). Cytogenetic location: 1p12.
Variant type: single nucleotide variant.
Coding change: c.1017-18C>T on transcript NM_005518.4 (MANE Select); 18 bases into the intron before coding-DNA position 1017, C replaced by T.
Molecular consequence: intron variant.
Genome position (GRCh38, 1-based): chr1:119,755,615, G>A on the plus strand (C>T on the coding strand, the complement: HMGCS2 is on the minus strand). VCF-style: chr1-119755615-G-A. GRCh37 (hg19) VCF-style: chr1-120298238-G-A.
Other names: c.891-18C>T (NM_001166107.1).
Identifiers: ClinVar variation 383026 (VCV000383026.6), dbSNP rs373664352, ClinGen allele CA1037697.

ClinVar aggregate classification (germline): Likely benign. Review status: criteria provided, multiple submitters, no conflicts (2 of 4 stars). 3 submissions from 3 submitters: Likely benign (3). Last evaluated 2023-10-11.

Conditions:
3-hydroxy-3-methylglutaryl-CoA synthase deficiency (HMGCS2D). Also called: HMG-CoA synthase-2 deficiency; MITOCHONDRIAL HMG-CoA SYNTHASE DEFICIENCY; HMGCS2 DEFICIENCY. Identifiers: Orphanet 35701, MedGen C2751532, MONDO:0011614, OMIM 605911.

Allele frequency attached by ClinVar (database versions not stated): gnomAD exomes 0.00018 and 0.00020; ExAC 0.00020; TOPMed 0.00024; ESP Exome Variant Server 0.00031; gnomAD 0.00031 and 0.00034.
gnomAD v4.1: 342 of 1,613,854 alleles (0.021%); highest among the groups gnomAD compares: African/African-American, 0.041%; no homozygotes.

Submissions (3):

Labcorp Genetics (formerly Invitae), Labcorp
Classification: Likely benign for 3-hydroxy-3-methylglutaryl-CoA synthase deficiency. Last evaluated: 2023-10-11. Review status: criteria provided, single submitter. Criteria: Invitae Variant Classification Sherloc (09022015). Collection method: clinical testing. Allele origin: germline.

Blueprint Genetics
Classification: Likely benign. Last evaluated: 2022-12-08. Review status: criteria provided, single submitter. Criteria: ACMG Guidelines, 2015. Collection method: clinical testing. Allele origin: germline.

GeneDx
Classification: Likely benign. Last evaluated: 2016-12-13. Review status: criteria provided, single submitter. Criteria: GeneDx Variant Classification (06012015). Collection method: clinical testing. Allele origin: germline. Affected: yes.
Comment: This variant is considered likely benign or benign based on one or more of the following criteria: it is a conservative change, it occurs at a poorly conserved position in the protein, it is predicted to be benign by multiple in silico algorithms, and/or has population frequency not consistent with disease.